The following is an entry in ClinVar:

NM_001195248.2(APTX):c.35G>A (p.Ser12Asn)

Gene: APTX (aprataxin; minus strand). Cytogenetic location: 9p21.1.
Variant type: single nucleotide variant.
Coding change: c.35G>A on transcript NM_001195248.2 (MANE Select); coding-DNA position 35, G replaced by A.
Protein change: p.Ser12Asn; replaces serine 12 with asparagine.
Molecular consequence: missense variant. On other transcripts: 5 prime UTR variant (8), non-coding transcript variant (13).
Genome position (GRCh38, 1-based): chr9:32,989,857, C>T on the plus strand (G>A on the coding strand, the complement: APTX is on the minus strand). VCF-style: chr9-32989857-C-T. GRCh37 (hg19) VCF-style: chr9-32989855-C-T.
Other names: c.35G>A, p.Ser12Asn (NM_001195249.2, NM_001195250.2, NM_001195251.2 and 11 more transcripts); c.-225G>A (NM_001369002.1, NM_001369003.1, NM_001369005.1 and 4 more transcripts); c.-183G>A (NM_001369004.1); c.35G>A (NM_175073.2); short protein forms S12N.
Identifiers: ClinVar variation 1450152 (VCV001450152.7), dbSNP rs781480218, ClinGen allele CA192403370.

ClinVar aggregate classification (germline): Conflicting classifications of pathogenicity. Review status: criteria provided, conflicting classifications (1 of 4 stars). 2 submissions from 2 submitters: Uncertain significance (1); Likely benign (1). Last evaluated 2023-01-20.

Conditions:
Inborn genetic diseases. Identifiers: MedGen C0950123, MeSH D030342.

Allele frequency attached by ClinVar (database versions not stated): gnomAD exomes 0.00001 and 0.00005; TOPMed 0.00001.
gnomAD v4.1: 70 of 1,614,250 alleles (0.0043%); highest among the groups gnomAD compares: Non-Finnish European, 0.0059%; no homozygotes.

Submissions (2):

Ambry Genetics
Classification: Likely benign for Inborn genetic diseases. Last evaluated: 2023-01-20. Review status: criteria provided, single submitter. Criteria: Ambry Variant Classification Scheme 2023. Collection method: clinical testing. Allele origin: germline.

Labcorp Genetics (formerly Invitae), Labcorp
Classification: Uncertain significance. Last evaluated: 2022-08-09. Review status: criteria provided, single submitter. Criteria: Invitae Variant Classification Sherloc (09022015). Collection method: clinical testing. Allele origin: germline.
Comment: In summary, the available evidence is currently insufficient to determine the role of this variant in disease. Therefore, it has been classified as a Variant of Uncertain Significance. Algorithms developed to predict the effect of missense changes on protein structure and function output the following: SIFT: "Tolerated"; PolyPhen-2: "Benign"; Align-GVGD: "Class C0". The asparagine amino acid residue is found in multiple mammalian species, which suggests that this missense change does not adversely affect protein function. ClinVar contains an entry for this variant (Variation ID: 1450152). This variant has not been reported in the literature in individuals affected with APTX-related conditions. This variant is present in population databases (rs781480218, gnomAD 0.002%). This sequence change replaces serine, which is neutral and polar, with asparagine, which is neutral and polar, at codon 12 of the APTX protein (p.Ser12Asn).